The following is an entry in ClinVar:

NM_019074.4(DLL4):c.1886G>A (p.Gly629Glu)

Gene: DLL4 (delta like canonical Notch ligand 4; plus strand). Cytogenetic location: 15q15.1.
Variant type: single nucleotide variant.
Coding change: c.1886G>A on transcript NM_019074.4 (MANE Select); coding-DNA position 1886, G replaced by A.
Protein change: p.Gly629Glu; replaces glycine 629 with glutamic acid.
Molecular consequence: missense variant.
Genome position (GRCh38, 1-based): chr15:40,936,873, G>A. VCF-style: chr15-40936873-G-A. GRCh37 (hg19) VCF-style: chr15-41229071-G-A.
Other names: short protein forms G629E.
Identifiers: ClinVar variation 3015320 (VCV003015320.3), dbSNP rs771074371, ClinGen allele CA7488014.
Genomic context (GRCh38, chr15:40,936,873, plus strand): 5'-AAAACCACACATTGGACTATAATCTGGCCCCAGGGCCCCTGGGGCGGGGGACCATGCCAG[G>A]AAAGTTTCCCCACAGTGACAAGAGCTTAGGAGAGAAGGCGCCACTGCGGTTACACAGGTG-3'
Protein context (NP_061947.1, residues 619-639): PGPLGRGTMP[Gly629Glu]KFPHSDKSLG

ClinVar aggregate classification (germline): Uncertain significance (1 of 4 stars; one submission).

Allele frequency attached by ClinVar (database versions not stated): gnomAD exomes below 0.00001; ExAC 0.00002.
gnomAD v4.1: 6 of 1,612,932 alleles (0.00037%); highest among the groups gnomAD compares: Middle Eastern, 0.033%; no homozygotes.

Submission:

Labcorp Genetics (formerly Invitae), Labcorp
Classification: Uncertain significance. Last evaluated: 2024-01-29. Review status: criteria provided, single submitter. Criteria: Invitae Variant Classification Sherloc (09022015). Collection method: clinical testing. Allele origin: germline.
Comment: This sequence change replaces glycine, which is neutral and non-polar, with glutamic acid, which is acidic and polar, at codon 629 of the DLL4 protein (p.Gly629Glu). This variant is present in population databases (rs771074371, gnomAD 0.002%). This variant has not been reported in the literature in individuals affected with DLL4-related conditions. Advanced modeling of protein sequence and biophysical properties (such as structural, functional, and spatial information, amino acid conservation, physicochemical variation, residue mobility, and thermodynamic stability) performed at Invitae indicates that this missense variant is not expected to disrupt DLL4 protein function with a negative predictive value of 80%. In summary, the available evidence is currently insufficient to determine the role of this variant in disease. Therefore, it has been classified as a Variant of Uncertain Significance.